The following is an entry in ClinVar:

NM_000128.4(F11):c.1361T>A (p.Ile454Lys)

Gene: F11 (coagulation factor XI; plus strand). Cytogenetic location: 4q35.2.
Variant type: single nucleotide variant.
Coding change: c.1361T>A on transcript NM_000128.4 (MANE Select); coding-DNA position 1361, T replaced by A.
Protein change: p.Ile454Lys; replaces isoleucine 454 with lysine.
Molecular consequence: missense variant.
Genome position (GRCh38, 1-based): chr4:186,285,694, T>A. VCF-style: chr4-186285694-T-A. GRCh37 (hg19) VCF-style: chr4-187206848-T-A.
Other names: short protein forms I454K.
Identifiers: ClinVar variation 68175 (VCV000068175.3), dbSNP rs281875241, ClinGen allele CA219106.

ClinVar aggregate classification (germline): Likely pathogenic. Review status: criteria provided, multiple submitters, no conflicts (2 of 4 stars). 3 submissions from 3 submitters: Likely pathogenic (2). 1 of the submissions does not count toward it. Last evaluated 2026-07-29.

Conditions:
Plasma factor XI deficiency.
Hereditary factor XI deficiency disease. Also called: PLASMA THROMBOPLASTIN ANTECEDENT DEFICIENCY; PTA DEFICIENCY; ROSENTHAL SYNDROME; Congenital factor XI deficiency. Identifiers: Orphanet 329, MedGen C0015523, MeSH D005173, MONDO:0012897, OMIM 612416.

Submissions (3):

Myriad Genetics, Inc.
Classification: Likely pathogenic for Hereditary factor XI deficiency disease. Last evaluated: 2026-07-29. Review status: criteria provided, single submitter. Criteria: Myriad Autosomal Dominant, Autosomal Recessive and X-Linked Classification Criteria (2023). Collection method: clinical testing. Allele origin: unknown.
Comment: NM_000128.3(F11):c.1361T>A(I454K) is a missense variant classified as likely pathogenic in the context of factor XI deficiency. I454K has been observed in cases with relevant disease (PMID: 21999818, 29178608). Relevant functional assessments of this variant are available in the literature (PMID: 29178608). I454K has not been observed in referenced population frequency databases. In summary, NM_000128.3(F11):c.1361T>A(I454K) is a missense variant that has functional support for pathogenicity and has been observed more frequently in cases with the relevant disease than in healthy populations. Please note: this variant was assessed in the context of healthy population screening.

Natera, Inc.
Classification: Likely pathogenic for Plasma factor XI deficiency. Last evaluated: 2024-02-27. Review status: criteria provided, single submitter. Criteria: Natera Variant Classification Schema (03/2026). Collection method: clinical testing. Allele origin: germline.
Comment: The c.1361T>A variant in F11 is a missense variant predicted to cause substitution of isoleucine to lysine at amino acid 454. This variant is rare in the general population with a frequency below the threshold expected for the associated phenotype(s). This variant has been observed in one or more individuals affected with the associated recessive disease, as either homozygous or compound heterozygous with a second variant (PMID: 21999818). Functional studies show that this variant may disrupt protein function (PMID: 21999818). Computational prediction algorithms indicate this variant is likely to affect gene or protein function. Given the available evidence, this variant is classified as Likely Pathogenic.

UniProtKB/Swiss-Prot
No classification provided. Review status: no classification provided. Collection method: not provided. Allele origin: not provided. Not counted in ClinVar's aggregate classification.

Literature cited by the submitters: PubMed 21999818 (cited by Myriad Genetics, Inc. and Natera, Inc.); PubMed 29178608 (cited by Myriad Genetics, Inc.).